The following is an entry in ClinVar:

ClinVar aggregate classification (germline): Uncertain significance (1 of 4 stars; one submission).

Allele frequency attached by ClinVar (database versions not stated): TOPMed 0.00002; gnomAD 0.00001; gnomAD exomes 0.00001.
gnomAD v4.1: 25 of 1,614,036 alleles (0.0015%); highest among the groups gnomAD compares: South Asian, 0.0033%; no homozygotes.

Submission:

Labcorp Genetics (formerly Invitae), Labcorp
Classification: Uncertain significance. Last evaluated: 2025-12-08. Review status: criteria provided, single submitter. Criteria: Invitae Variant Classification Sherloc (09022015). Collection method: clinical testing. Allele origin: germline.
Comment: This sequence change replaces arginine, which is basic and polar, with histidine, which is basic and polar, at codon 119 of the HYOU1 protein (p.Arg119His). This variant is present in population databases (rs781974767, gnomAD 0.01%). This variant has not been reported in the literature in individuals affected with HYOU1-related conditions. ClinVar contains an entry for this variant (Variation ID: 1960948). An algorithm developed to predict the effect of missense changes on protein structure and function (PolyPhen-2) suggests that this variant is likely to be tolerated. In summary, the available evidence is currently insufficient to determine the role of this variant in disease. Therefore, it has been classified as a Variant of Uncertain Significance.

NM_006389.5(HYOU1):c.356G>A (p.Arg119His)

Gene: HYOU1 (hypoxia up-regulated 1; minus strand). Cytogenetic location: 11q23.3.
Variant type: single nucleotide variant.
Coding change: c.356G>A on transcript NM_006389.5 (MANE Select); coding-DNA position 356, G replaced by A.
Protein change: p.Arg119His; replaces arginine 119 with histidine.
Molecular consequence: missense variant.
Genome position (GRCh38, 1-based): chr11:119,055,248, C>T on the plus strand (G>A on the coding strand, the complement: HYOU1 is on the minus strand). VCF-style: chr11-119055248-C-T. GRCh37 (hg19) VCF-style: chr11-118925960-C-T.
Other names: c.356G>A, p.Arg119His (NM_001130991.3, NM_001411041.1); short protein forms R119H.
Identifiers: ClinVar variation 1960948 (VCV001960948.5), dbSNP rs781974767, ClinGen allele CA229648918.